The following is an entry in ClinVar:

NM_014028.4(OSTM1):c.133_134delinsTT (p.Asp45Phe)

Genes: OSTM1 (osteoclastogenesis associated transmembrane protein 1; minus strand), LOC129996933 (ATAC-STARR-seq lymphoblastoid silent region 17446; plus strand). Cytogenetic location: 6q21.
Variant type: Indel.
Coding change: c.133_134delinsTT on transcript NM_014028.4 (MANE Select); coding-DNA positions 133 to 134, GA replaced by TT.
Protein change: p.Asp45Phe; replaces aspartic acid 45 with phenylalanine.
Molecular consequence: missense variant.
Genome position (GRCh38, 1-based): chr6:108,074,518-108,074,519, TC replaced by AA on the plus strand (GA replaced by TT on the coding strand, the reverse complement: OSTM1 is on the minus strand). VCF-style: chr6-108074518-TC-AA. GRCh37 (hg19) VCF-style: chr6-108395722-TC-AA.
Other names: short protein forms D45F.
Identifiers: ClinVar variation 2017025 (VCV002017025.4), dbSNP rs2482242822, ClinGen allele CA2580074720.
Genomic context (GRCh38, chr6:108,074,518, plus strand): 5'-CCCTGCAGGAGGGACAGGGACAAGTCCTCCACCTCCAGCAACTGCTGCTCCGACAGGAGG[TC>AA]GTGGAAGACCCTGTGCGGACTGCTGCCGAAGGGGAGCGCGCCCAGGGCCAGCCCCGACCA-3'
Protein context (NP_054747.2, residues 35-55): FGSSPHRVFH[Asp45Phe]LLSEQQLLEV

ClinVar aggregate classification (germline): Uncertain significance (1 of 4 stars; one submission).

Submission:

Labcorp Genetics (formerly Invitae), Labcorp
Classification: Uncertain significance. Last evaluated: 2022-07-14. Review status: criteria provided, single submitter. Criteria: Invitae Variant Classification Sherloc (09022015). Collection method: clinical testing. Allele origin: germline.
Comment: In summary, the available evidence is currently insufficient to determine the role of this variant in disease. Therefore, it has been classified as a Variant of Uncertain Significance. Algorithms developed to predict the effect of missense changes on protein structure and function are either unavailable or do not agree on the potential impact of this missense change (SIFT: "Not Available"; PolyPhen-2: "Probably Damaging"; Align-GVGD: "Not Available"). This variant has not been reported in the literature in individuals affected with OSTM1-related conditions. Information on the frequency of this variant in the gnomAD database is not available, as this variant may be reported differently in the database. This sequence change replaces aspartic acid, which is acidic and polar, with phenylalanine, which is neutral and non-polar, at codon 45 of the OSTM1 protein (p.Asp45Phe).